The following is an entry in ClinVar:

NM_002430.3(MN1):c.151G>A (p.Ala51Thr)

Gene: MN1 (MN1 proto-oncogene, transcriptional regulator; minus strand). Cytogenetic location: 22q12.1.
Variant type: single nucleotide variant.
Coding change: c.151G>A on transcript NM_002430.3 (MANE Select); coding-DNA position 151, G replaced by A.
Protein change: p.Ala51Thr; replaces alanine 51 with threonine.
Molecular consequence: missense variant.
Genome position (GRCh38, 1-based): chr22:27,800,393, C>T on the plus strand (G>A on the coding strand, the complement: MN1 is on the minus strand). VCF-style: chr22-27800393-C-T. GRCh37 (hg19) VCF-style: chr22-28196381-C-T.
Other names: short protein forms A51T.
Identifiers: ClinVar variation 1809879 (VCV001809879.2), dbSNP rs2517774737, ClinGen allele CA411051911.

ClinVar aggregate classification (germline): Uncertain significance (1 of 4 stars; one submission).

Submission:

GeneDx
Classification: Uncertain significance. Last evaluated: 2023-03-28. Review status: criteria provided, single submitter. Criteria: GeneDx Variant Classification Process June 2021. Collection method: clinical testing. Allele origin: germline. Affected: yes.
Comment: Not observed at significant frequency in large population cohorts (gnomAD); In silico analysis supports that this missense variant does not alter protein structure/function; Has not been previously published as pathogenic or benign to our knowledge